The following is an entry in ClinVar:

ClinVar aggregate classification (germline): Benign/Likely benign. Review status: criteria provided, multiple submitters, no conflicts (2 of 4 stars). 4 submissions from 4 submitters: Benign (1); Likely benign (3). Last evaluated 2025-08-03.

Conditions:
Hereditary cancer-predisposing syndrome. Also called: Neoplastic Syndromes, Hereditary; Hereditary Cancer Syndrome; Tumor predisposition; Hereditary neoplastic syndrome. Identifiers: Orphanet 140162, MedGen C0027672, MeSH D009386, MONDO:0015356.
Renal cell carcinoma. Identifiers: Orphanet 217071, MedGen C0007134, MeSH D002292, MONDO:0005086, HP:0005584.
Papillary renal cell carcinoma type 1 (RCCP1). Also called: RENAL CELL CARCINOMA, PAPILLARY, 1, SOMATIC; Renal adenocarcinoma; Renal cell carcinoma 1; Renal cell carcinoma, somatic. Identifiers: Orphanet 47044, MedGen C1336839, OMIM 605074, HP:0011797.

Allele frequency attached by ClinVar (database versions not stated): gnomAD exomes below 0.00001.
gnomAD v4.1: 3 of 1,614,040 alleles (0.00019%); highest among the groups gnomAD compares: Non-Finnish European, 0.00025%; no homozygotes.

Submissions (4):

Labcorp Genetics (formerly Invitae), Labcorp
Classification: Likely benign for Renal cell carcinoma. Last evaluated: 2025-08-03. Review status: criteria provided, single submitter. Criteria: Invitae Variant Classification Sherloc (09022015). Collection method: clinical testing. Allele origin: germline.

Center for Genomic Medicine, Rigshospitalet, Copenhagen University Hospital
Classification: Likely benign. Last evaluated: 2025-03-04. Review status: criteria provided, single submitter. Criteria: ACMG Guidelines, 2015. Collection method: clinical testing. Allele origin: germline.

Myriad Genetics, Inc.
Classification: Benign for Papillary renal cell carcinoma type 1. Last evaluated: 2024-11-13. Review status: criteria provided, single submitter. Criteria: Myriad Autosomal Dominant, Autosomal Recessive and X-Linked Classification Criteria (2023). Collection method: clinical testing. Allele origin: unknown.
Comment: This variant is considered benign. This variant is a silent/synonymous amino acid change and it is not expected to impact splicing.

Ambry Genetics
Classification: Likely benign for Hereditary cancer-predisposing syndrome. Last evaluated: 2023-07-15. Review status: criteria provided, single submitter. Criteria: Ambry Variant Classification Scheme 2023. Collection method: clinical testing. Allele origin: germline.

NM_000245.4(MET):c.3399T>C (p.Asp1133=)

Gene: MET (MET proto-oncogene, receptor tyrosine kinase; plus strand). Cytogenetic location: 7q31.2.
Variant type: single nucleotide variant.
Coding change: c.3399T>C on transcript NM_000245.4 (MANE Select); coding-DNA position 3399, T replaced by C.
Protein change: p.Asp1133=; no amino-acid change (aspartic acid 1133 retained).
Molecular consequence: synonymous variant.
Genome position (GRCh38, 1-based): chr7:116,778,834, T>C. VCF-style: chr7-116778834-T-C. GRCh37 (hg19) VCF-style: chr7-116418888-T-C.
Other names: c.3453T>C, p.Asp1151= (NM_001127500.3); c.2109T>C, p.Asp703= (NM_001324402.2); c.3453T>C (NM_001127500.1).
Identifiers: ClinVar variation 1529568 (VCV001529568.12), dbSNP rs2117046045, ClinGen allele CA457218787.